The following is an entry in ClinVar:

NM_033305.3(VPS13A):c.2336dup (p.Asp779fs)

Gene: VPS13A (vacuolar protein sorting 13 homolog A; plus strand). Cytogenetic location: 9q21.2.
Variant type: Duplication.
Coding change: c.2336dup on transcript NM_033305.3 (MANE Select); coding-DNA position 2336, one base duplicated (A; older notation c.2336dupA).
Protein change: p.Asp779fs; shifts the reading frame from aspartic acid 779.
Molecular consequence: frameshift variant.
Genome position (GRCh38, 1-based): chr9:77,260,133, A duplicated. VCF-style (leftmost placement, unchanged base first): chr9-77260132-G-GA. GRCh37 (hg19) VCF-style: chr9-79875048-G-GA.
Other names: c.2336dup, p.Asp779fs (NM_001018037.2, NM_001018038.3, NM_015186.4); short protein forms D779fs.
Identifiers: ClinVar variation 1069532 (VCV001069532.7), dbSNP rs2131293113, ClinGen allele CA2499219952.

ClinVar aggregate classification (germline): Pathogenic (1 of 4 stars; one submission).

Submission:

Labcorp Genetics (formerly Invitae), Labcorp
Classification: Pathogenic. Last evaluated: 2020-05-13. Review status: criteria provided, single submitter. Criteria: Invitae Variant Classification Sherloc (09022015). Collection method: clinical testing. Allele origin: germline.
Comment: This variant has not been reported in the literature in individuals with VPS13A-related conditions. For these reasons, this variant has been classified as Pathogenic. Loss-of-function variants in VPS13A are known to be pathogenic (PMID: 12404112, 21598378). This variant is not present in population databases (ExAC no frequency). This sequence change creates a premature translational stop signal (p.Asp779Glufs*2) in the VPS13A gene. It is expected to result in an absent or disrupted protein product.

Literature cited by the submitters: PubMed 12404112; PubMed 21598378.